The following is an entry in ClinVar:

ClinVar aggregate classification (germline): Uncertain significance (1 of 4 stars; one submission).

gnomAD v4.1: 1 of 1,614,030 alleles (0.000062%); highest among the groups gnomAD compares: African/African-American, 0.0013%; no homozygotes.

Submission:

GeneDx
Classification: Uncertain significance. Last evaluated: 2023-06-21. Review status: criteria provided, single submitter. Criteria: GeneDx Variant Classification Process June 2021. Collection method: clinical testing. Allele origin: germline. Affected: yes.
Comment: Not observed at significant frequency in large population cohorts (gnomAD); In silico analysis supports that this missense variant has a deleterious effect on protein structure/function; Has not been previously published as pathogenic or benign to our knowledge; This variant is associated with the following publications: (PMID: 20681998, 33767344)

NM_000540.3(RYR1):c.14580C>G (p.Phe4860Leu)

Gene: RYR1 (ryanodine receptor 1; plus strand). Cytogenetic location: 19q13.2.
Variant type: single nucleotide variant.
Coding change: c.14580C>G on transcript NM_000540.3 (MANE Select); coding-DNA position 14580, C replaced by G.
Protein change: p.Phe4860Leu; replaces phenylalanine 4860 with leucine.
Molecular consequence: missense variant.
Genome position (GRCh38, 1-based): chr19:38,580,438, C>G. VCF-style: chr19-38580438-C-G. GRCh37 (hg19) VCF-style: chr19-39071078-C-G.
Other names: c.14565C>G, p.Phe4855Leu (NM_001042723.2); short protein forms F4855L, F4860L.
Identifiers: ClinVar variation 3340897 (VCV003340897.1).